The following is an entry in ClinVar:

NM_007294.4(BRCA1):c.5332+6A>T

Gene: BRCA1 (BRCA1 DNA repair associated; minus strand). Cytogenetic location: 17q21.31.
Variant type: single nucleotide variant.
Coding change: c.5332+6A>T on transcript NM_007294.4 (MANE Select); 6 bases into the intron after coding-DNA position 5332, A replaced by T.
Molecular consequence: intron variant.
Genome position (GRCh38, 1-based): chr17:43,051,057, T>A on the plus strand (A>T on the coding strand, the complement: BRCA1 is on the minus strand). VCF-style: chr17-43051057-T-A. GRCh37 (hg19) VCF-style: chr17-41203074-T-A.
Other names: c.1879+6A>T (NM_001408458.1, NM_001408461.1, NM_001408464.1 and 7 more transcripts); c.4441+6A>T (NM_001407967.1); c.4951+6A>T (NM_001407959.1); c.5065+6A>T (NM_001407931.1, NM_001407932.1, NM_001407928.1 and 4 more transcripts); c.5188+6A>T (NM_001407747.1, NM_001407745.1, NM_001407737.1 and 21 more transcripts); c.4948+6A>T (NM_001407962.1, NM_001407960.1); c.1519+6A>T (NM_001408512.1); c.1642+6A>T (NM_001408510.1); and 74 more.
Identifiers: ClinVar variation 865605 (VCV000865605.3), dbSNP rs2051193269, ClinGen allele CA916081020.

Conditions:
Breast-ovarian cancer, familial, susceptibility to, 1 (BROVCA1). Also called: BRCA1 Hereditary Breast and Ovarian Cancer; OVARIAN CANCER, SUSCEPTIBILITY TO. Identifiers: Orphanet 145, MedGen C2676676, MONDO:0011450, OMIM 604370. Disease mechanism: loss of function.

Submission:

Brotman Baty Institute, University of Washington
No classification provided (evidence only). Condition: Breast-ovarian cancer, familial 1. Review status: no classification provided. Collection method: in vitro. Allele origin: not applicable. Functional consequence: functionally_normal.
ClinVar note: "not provided" was previously submitted as the classification for the variant. However, the classification appeared to be based only on an observation of functional data so it was converted to no classification on 2025-07-30.